The following is an entry in ClinVar:

NC_000008.10:g.(?_90982582)_(90990561_?)del

Gene: NBN (nibrin; minus strand). Cytogenetic location: 8q21.3.
Variant type: Deletion.
Identifiers: ClinVar variation 1443270 (VCV001443270.3).

ClinVar aggregate classification (germline): Pathogenic (1 of 4 stars; one submission).

Conditions:
Microcephaly, normal intelligence and immunodeficiency (NBS). Also called: BERLIN BREAKAGE SYNDROME; IMMUNODEFICIENCY, MICROCEPHALY, AND CHROMOSOMAL INSTABILITY; SEEMANOVA SYNDROME II; Immunodeficiency, microcephaly with normal intelligence; Nijmegen breakage syndrome; Microcephaly with normal intelligence immunodeficiency and lymphoreticular malignancies. Identifiers: Orphanet 647, MedGen C0398791, MONDO:0009623, OMIM 251260.

Submission:

Labcorp Genetics (formerly Invitae), Labcorp
Classification: Pathogenic for Microcephaly, normal intelligence and immunodeficiency. Last evaluated: 2021-09-10. Review status: criteria provided, single submitter. Criteria: Invitae Variant Classification Sherloc (09022015). Collection method: clinical testing. Allele origin: germline.
Comment: This variant is a gross deletion of the genomic region encompassing exon(s) 5-7 of the NBN gene. This deletion is out-of-frame, and is expected to create a premature termination codon and result in an absent or disrupted protein product. Loss-of-function variants in NBN are known to be pathogenic (PMID: 9590180, 16415040). This variant has not been reported in the literature in individuals affected with NBN-related conditions. For these reasons, this variant has been classified as Pathogenic.

Literature cited by the submitters: PubMed 9590180; PubMed 16415040.